The following is an entry in ClinVar:

ClinVar aggregate classification (germline): Uncertain significance (1 of 4 stars; one submission).

Allele frequency attached by ClinVar (database versions not stated): TOPMed below 0.00001.

Submission:

CeGaT Center for Human Genetics Tuebingen
Classification: Uncertain significance. Last evaluated: 2023-11-01. Review status: criteria provided, single submitter. Criteria: CeGaT Center For Human Genetics Tuebingen Variant Classification Criteria Version 2. Collection method: clinical testing. Allele origin: germline. Affected: yes. Observed: 1 variant allele.
Comment: MYL2: PM2, PP3

NM_000432.4(MYL2):c.403-3C>G

Gene: MYL2 (myosin light chain 2; minus strand). Cytogenetic location: 12q24.11.
Variant type: single nucleotide variant.
Coding change: c.403-3C>G on transcript NM_000432.4 (MANE Select); 3 bases into the intron before coding-DNA position 403, C replaced by G.
Molecular consequence: intron variant.
Genome position (GRCh38, 1-based): chr12:110,911,178, G>C on the plus strand (C>G on the coding strand, the complement: MYL2 is on the minus strand). VCF-style: chr12-110911178-G-C. GRCh37 (hg19) VCF-style: chr12-111348982-G-C.
Other names: c.346-3C>G (NM_001406916.1); c.361-3C>G (NM_001406745.1).
Identifiers: ClinVar variation 2672520 (VCV002672520.23), dbSNP rs1000171476, ClinGen allele CA243560508.
Genomic context (GRCh38, chr12:110,911,178, plus strand): 5'-TCTTGTAGTCCAAGTTGCCAGTCACGTCAGGGGGGAAGGCGGCGAACATCTGGTCAACCT[G>C]CAATGAGCCAGCAACACGTGCTAAGGACGAGGGGAGGGGAACTGAGACGGAGGGTGGGGG-3'